The following is an entry in ClinVar:

NM_014003.4(DHX38):c.1033G>A (p.Glu345Lys)

Gene: DHX38 (DEAH-box helicase 38; plus strand). Cytogenetic location: 16q22.2.
Variant type: single nucleotide variant.
Coding change: c.1033G>A on transcript NM_014003.4 (MANE Select); coding-DNA position 1033, G replaced by A.
Protein change: p.Glu345Lys; replaces glutamic acid 345 with lysine.
Molecular consequence: missense variant.
Genome position (GRCh38, 1-based): chr16:72,099,804, G>A. VCF-style: chr16-72099804-G-A. GRCh37 (hg19) VCF-style: chr16-72133703-G-A.
Other names: short protein forms E345K.
Identifiers: ClinVar variation 1514707 (VCV001514707.8), dbSNP rs200708769, ClinGen allele CA8160186.

ClinVar aggregate classification (germline): Uncertain significance (1 of 4 stars; one submission).

Allele frequency attached by ClinVar (database versions not stated): gnomAD 0.00001; gnomAD exomes 0.00001; TOPMed 0.00001; ExAC 0.00002.
gnomAD v4.1: 29 of 1,614,002 alleles (0.0018%); highest among the groups gnomAD compares: Non-Finnish European, 0.0024%; no homozygotes.

Submission:

Labcorp Genetics (formerly Invitae), Labcorp
Classification: Uncertain significance. Last evaluated: 2021-06-22. Review status: criteria provided, single submitter. Criteria: Invitae Variant Classification Sherloc (09022015). Collection method: clinical testing. Allele origin: germline.
Comment: This variant has not been reported in the literature in individuals affected with DHX38-related conditions. In summary, the available evidence is currently insufficient to determine the role of this variant in disease. Therefore, it has been classified as a Variant of Uncertain Significance. Algorithms developed to predict the effect of missense changes on protein structure and function (SIFT, PolyPhen-2, Align-GVGD) all suggest that this variant is likely to be tolerated. This variant is present in population databases (rs200708769, ExAC 0.003%). This sequence change replaces glutamic acid with lysine at codon 345 of the DHX38 protein (p.Glu345Lys). The glutamic acid residue is moderately conserved and there is a small physicochemical difference between glutamic acid and lysine.